The following is an entry in ClinVar:

NM_001267550.2(TTN):c.71624C>A (p.Thr23875Asn)

Genes: TTN-AS1 (TTN antisense RNA 1; plus strand), TTN (titin; minus strand). Cytogenetic location: 2q31.2.
Variant type: single nucleotide variant.
Coding change: c.71624C>A on transcript NM_001267550.2 (MANE Select); coding-DNA position 71624, C replaced by A.
Protein change: p.Thr23875Asn; replaces threonine 23875 with asparagine.
Molecular consequence: missense variant.
Genome position (GRCh38, 1-based): chr2:178,574,508, G>T on the plus strand (C>A on the coding strand, the complement: TTN is on the minus strand). VCF-style: chr2-178574508-G-T. GRCh37 (hg19) VCF-style: chr2-179439235-G-T.
Other names: p.T22234N:ACT>AAT; c.66701C>A, p.Thr22234Asn (NM_001256850.1); c.44429C>A, p.Thr14810Asn (NM_003319.4); c.63920C>A, p.Thr21307Asn (NM_133378.4); c.44804C>A, p.Thr14935Asn (NM_133432.3); c.45005C>A, p.Thr15002Asn (NM_133437.4); short protein forms T22234N, T23875N, T14810N, T21307N, T14935N, T15002N.
Identifiers: ClinVar variation 202834 (VCV000202834.12), dbSNP rs771783837, ClinGen allele CA310430.

ClinVar aggregate classification (germline): Uncertain significance. Review status: criteria provided, multiple submitters, no conflicts (2 of 4 stars). 6 submissions from 6 submitters: Uncertain significance (6). Last evaluated 2024-09-23.

Conditions:
Cardiovascular phenotype. Identifiers: MedGen CN230736.
Myopathy, myofibrillar, 9, with early respiratory failure (MFM9). Also called: EDSTROM MYOPATHY; MYOPATHY, PROXIMAL, WITH EARLY RESPIRATORY MUSCLE INVOLVEMENT; Myopathy, distal, with early respiratory failure, autosomal dominant; Hereditary myopathy with early respiratory failure. Identifiers: Orphanet 178464, Orphanet 34521, MedGen C1863599, MONDO:0011362, OMIM 603689.
Early-onset myopathy with fatal cardiomyopathy (CMYO5). Also called: CONGENITAL MYOPATHY 5 WITH CARDIOMYOPATHY; Salih Myopathy. Identifiers: Orphanet 289377, MedGen C2673677, MONDO:0012714, OMIM 611705. Disease mechanism: loss of function.
Hypertrophic cardiomyopathy 9. Also called: Familial hypertrophic cardiomyopathy 9. Identifiers: MedGen C1861065, MONDO:0013412, OMIM 613765.
Dilated cardiomyopathy 1G (CMD1G). Identifiers: Orphanet 154, MedGen C1858763, MONDO:0011400, OMIM 604145.
Tibial muscular dystrophy (TMD). Also called: UDD MYOPATHY; Tibial muscular dystrophy, tardive; Udd Distal Myopathy – Tibial Muscular Dystrophy. Identifiers: Orphanet 609, MedGen C1838244, MONDO:0010870, OMIM 600334.
Autosomal recessive limb-girdle muscular dystrophy type 2J (LGMDR10). Also called: MUSCULAR DYSTROPHY, LIMB-GIRDLE, AUTOSOMAL RECESSIVE 10; Limb-girdle muscular dystrophy, type 2J. Identifiers: Orphanet 140922, MedGen C1837342, MONDO:0012127, OMIM 608807.

Allele frequency attached by ClinVar (database versions not stated): ExAC 0.00001; gnomAD 0.00001; TOPMed 0.00002; gnomAD exomes 0.00003.
gnomAD v4.1: 28 of 1,613,484 alleles (0.0017%); highest among the groups gnomAD compares: Non-Finnish European, 0.0024%; no homozygotes.

Submissions (6):

Revvity Omics, Revvity
Classification: Uncertain significance. Last evaluated: 2024-09-23. Review status: criteria provided, single submitter. Criteria: ACMG Guidelines, 2015. Collection method: clinical testing. Allele origin: germline.

Women's Health and Genetics/Laboratory Corporation of America, LabCorp
Classification: Uncertain significance. Last evaluated: 2021-11-22. Review status: criteria provided, single submitter. Criteria: LabCorp Variant Classification Summary - May 2015. Collection method: clinical testing. Allele origin: germline.
Comment: Variant summary: TTN c.63920C>A (p.Thr21307Asn) results in a non-conservative amino acid change located in the A-band region of the encoded protein sequence. Four of five in-silico tools predict a benign effect of the variant on protein function. The variant allele was found at a frequency of 2.8e-05 in 248464 control chromosomes. The available data on variant occurrences in the general population are insufficient to allow any conclusion about variant significance. c.63920C>A has been reported in the literature as NM_001267550:c.71624C>A (p.Thr23875Asn) in at-least one individual affected with Dilated Cardiomyopathy (example, Mazzarotto_2020). These report(s) do not provide unequivocal conclusions about association of the variant with Dilated Cardiomyopathy. At-least one co-occurrence with another pathogenic variant has been observed at our laboratory (Transthyretin Amyloidosis-TTR c.424G>A, p.Val142Ile), providing supporting evidence for a benign role. To our knowledge, no experimental evidence demonstrating an impact on protein function has been reported. One clinical diagnostic laboratory has submitted clinical-significance assessments for this variant to ClinVar after 2014 without evidence for independent evaluation and classified the variant as uncertain significance. Based on the evidence outlined above, the variant was classified as uncertain significance.

Fulgent Genetics
Classification: Uncertain significance for Tibial muscular dystrophy; Myopathy, myofibrillar, 9, with early respiratory failure; Dilated cardiomyopathy 1G; Autosomal recessive limb-girdle muscular dystrophy type 2J; Early-onset myopathy with fatal cardiomyopathy; Hypertrophic cardiomyopathy 9. Last evaluated: 2021-09-06. Review status: criteria provided, single submitter. Criteria: ACMG Guidelines, 2015. Collection method: clinical testing. Allele origin: unknown.

Mayo Clinic Laboratories, Mayo Clinic
Classification: Uncertain significance. Last evaluated: 2020-10-29. Review status: criteria provided, single submitter. Criteria: ACMG Guidelines, 2015. Collection method: clinical testing. Allele origin: germline. Observed: 1 variant allele.

Ambry Genetics
Classification: Uncertain significance for Cardiovascular phenotype. Last evaluated: 2019-11-25. Review status: criteria provided, single submitter. Criteria: Ambry Variant Classification Scheme 2023. Collection method: clinical testing. Allele origin: germline.
Comment: The p.T14810N variant (also known as c.44429C>A), located in coding exon 153 of the TTN gene, results from a C to A substitution at nucleotide position 44429. The threonine at codon 14810 is replaced by asparagine, an amino acid with similar properties. This amino acid position is not well conserved in available vertebrate species. In addition, this alteration is predicted to be tolerated by in silico analysis. Since supporting evidence is limited at this time, the clinical significance of this alteration remains unclear.

GeneDx
Classification: Uncertain significance. Last evaluated: 2013-09-30. Review status: criteria provided, single submitter. Criteria: GeneDx Variant Classification (06012015). Collection method: clinical testing. Allele origin: germline. Affected: yes.
Comment: Missense variants in the TTN gene are considered 'unclassified' if they are not previously reported in the literature and do not have >1% frequency in the population to be considered a polymorphism. Research indicates that truncating mutations in the TTN gene are expected to account for approximately 25% of familial and 18% of sporadic idiopathic DCM; however, truncating variants in the TTN gene have been reported in approximately 3% of reported control alleles. There has been little investigation into non-truncating variants. (Herman D et al. Truncations of titin causing dilated cardiomyopathy. N Eng J Med 366:619-628, 2012) The variant is found in DCM panel(s).

Literature cited by the submitters: PubMed 31983221 (cited by Women's Health and Genetics/Laboratory Corporation of America, LabCorp).